The following is an entry in ClinVar:

NM_170682.4(P2RX2):c.996G>A (p.Gln332=)

Gene: P2RX2 (purinergic receptor P2X 2; plus strand). Cytogenetic location: 12q24.33.
Variant type: single nucleotide variant.
Coding change: c.996G>A on transcript NM_170682.4 (MANE Select); coding-DNA position 996, G replaced by A.
Protein change: p.Gln332=; no amino-acid change (glutamine 332 retained).
Molecular consequence: synonymous variant.
Genome position (GRCh38, 1-based): chr12:132,621,345, G>A. VCF-style: chr12-132621345-G-A. GRCh37 (hg19) VCF-style: chr12-133197931-G-A.
Other names: c.894G>A, p.Gln298= (NM_001282164.2); c.996G>A, p.Gln332= (NM_001282165.2, NM_170683.4, NM_174873.3); c.780G>A, p.Gln260= (NM_012226.5); c.924G>A, p.Gln308= (NM_016318.4); c.720G>A, p.Gln240= (NM_174872.3).
Identifiers: ClinVar variation 2892212 (VCV002892212.3), dbSNP rs1331815529, ClinGen allele CA482848144.
Genomic context (GRCh38, chr12:132,621,345, plus strand): 5'-CACCACCCGCACGCTCATCAAGGCCTACGGGATCCGCATTGACGTCATTGTGCATGGACA[G>A]GTGCCTGCACCTGCTGGGGGTGGGTGGCCAGCCCTGCTAGCCTGGGTCTGAGCTCCTCAC-3'
Protein context (NP_733782.1, residues 322-342): GIRIDVIVHG[Gln332=]AGKFSLIPTI

ClinVar aggregate classification (germline): Uncertain significance (1 of 4 stars; one submission).

Allele frequency attached by ClinVar (database versions not stated): gnomAD exomes below 0.00001; TOPMed 0.00002.

Submission:

Labcorp Genetics (formerly Invitae), Labcorp
Classification: Uncertain significance. Last evaluated: 2023-11-25. Review status: criteria provided, single submitter. Criteria: Invitae Variant Classification Sherloc (09022015). Collection method: clinical testing. Allele origin: germline.
Comment: This sequence change affects codon 332 of the P2RX2 mRNA. It is a 'silent' change, meaning that it does not change the encoded amino acid sequence of the P2RX2 protein. This variant also falls at the last nucleotide of exon 9, which is part of the consensus splice site for this exon. This variant is not present in population databases (gnomAD no frequency). This variant has not been reported in the literature in individuals affected with P2RX2-related conditions. Variants that disrupt the consensus splice site are a relatively common cause of aberrant splicing (PMID: 17576681, 9536098). Algorithms developed to predict the effect of sequence changes on RNA splicing suggest that this variant may disrupt the consensus splice site. In summary, the available evidence is currently insufficient to determine the role of this variant in disease. Therefore, it has been classified as a Variant of Uncertain Significance.

Literature cited by the submitters: PubMed 17576681; PubMed 9536098.